The following is an entry in ClinVar:

NM_001130987.2(DYSF):c.*18A>G

Gene: DYSF (dysferlin; plus strand). Cytogenetic location: 2p13.2.
Variant type: single nucleotide variant.
Coding change: c.*18A>G on transcript NM_001130987.2 (MANE Select); 18 bases downstream of the stop codon, A replaced by G.
Molecular consequence: 3 prime UTR variant.
Genome position (GRCh38, 1-based): chr2:71,686,510, A>G. VCF-style: chr2-71686510-A-G. GRCh37 (hg19) VCF-style: chr2-71913640-A-G.
Other names: c.*18A>G (NM_001130455.2, NM_001130976.2, NM_001130977.2 and 10 more transcripts).
Identifiers: ClinVar variation 384146 (VCV000384146.1), dbSNP rs1057521877, ClinGen allele CA16604380.

ClinVar aggregate classification (germline): Likely benign (1 of 4 stars; one submission).

Submission:

GeneDx
Classification: Likely benign. Last evaluated: 2016-03-14. Review status: criteria provided, single submitter. Criteria: GeneDx Variant Classification (06012015). Collection method: clinical testing. Allele origin: germline. Affected: yes.
Comment: This variant is considered likely benign or benign based on one or more of the following criteria: it is a conservative change, it occurs at a poorly conserved position in the protein, it is predicted to be benign by multiple in silico algorithms, and/or has population frequency not consistent with disease.